The following is an entry in ClinVar:

ClinVar aggregate classification (germline): Pathogenic (1 of 4 stars; one submission).

Conditions:
DeSanto-Shinawi syndrome due to WAC point mutation (DESSH). Also called: DEVELOPMENTAL DELAY, BEHAVIORAL ABNORMALITIES, FACIAL DYSMORPHISM, AND OCULAR ABNORMALITIES; Facial dysmorphism-developmental delay-behavioral abnormalities syndrome due to WAC point mutation; WAC-Related Intellectual Disability. Identifiers: Orphanet 284169, Orphanet 466950, MedGen C5681129, MONDO:0014741, OMIM 616708.

Submission:

ARUP Laboratories, Molecular Genetics and Genomics, ARUP Laboratories
Classification: Pathogenic for DeSanto-Shinawi syndrome due to WAC point mutation. Last evaluated: 2019-02-12. Review status: criteria provided, single submitter. Criteria: ARUP Molecular Germline Variant Investigation Process. Collection method: clinical testing. Allele origin: germline.
Comment: The WAC c.1470_1477del; p.Gln492fs variant is absent from general population databases (1000 Genomes Project, Exome Variant Server, and Genome Aggregation Database), indicating it is not a common polymorphism. This variant, located in exon 11 out of 14, creates a frame shift starting at codon Gln492 resulting in a new reading frame and a premature STOP codon. All previously reported patients with Desanto-Shinawi syndrome had nonsense, framesfift, deletion or splice variants in the WAC gene (Varvagiannis 2017, Uehara 2018, Vanegas 2018), with several of these variants located after p.Gln492fs variant, in exons 12 and 13 of the WAC gene. Uehara et al. (2018) suggested haploinsufficiency as a likely pathogenic molecular mechanism. References: Uehara T et al. Three patients with DeSanto-Shinawi syndrome: Further phenotypic delineation. Am J Med Genet A. 2018 Jun;176(6):1335-1340. PMID: 29663678. Vanegas S et al. DeSanto-Shinawi Syndrome: First Case in South America. Mol Syndromol. 2018 May;9(3):154-158. PMID:29928181. Varvagiannis K et al. WAC-Related Intellectual Disability. 2017 Nov 30. In: Adam MP, Ardinger HH, Pagon RA, Wallace SE, Bean LJH, Stephens K, Amemiya A, editors. GeneReviews (Internet). Seattle (WA): University of Washington, Seattle; 1993-2019. Available from an online resource: 29190062.

NM_016628.5(WAC):c.1470_1477del (p.Gln492fs)

Gene: WAC (WW domain containing adaptor with coiled-coil; plus strand). Cytogenetic location: 10p12.1.
Variant type: Deletion.
Coding change: c.1470_1477del on transcript NM_016628.5 (MANE Select); coding-DNA positions 1470 to 1477, 8 bases deleted (GTCACAGT; older notation c.1470_1477delGTCACAGT).
Protein change: p.Gln492fs; shifts the reading frame from glutamine 492.
Molecular consequence: frameshift variant.
Genome position (GRCh38, 1-based): chr10:28,614,599-28,614,606, GTCACAGT deleted; deleting any 8 consecutive bases within chr10:28,614,595-28,614,606 gives the same sequence; the c. name uses the placement nearest the transcript's 3' end. VCF-style (leftmost placement, unchanged base first): chr10-28614594-CCAGTGTCA-C. GRCh37 (hg19) VCF-style: chr10-28903523-CCAGTGTCA-C.
Other names: c.1335_1342del, p.Gln447fs (NM_100264.3); c.1161_1168del, p.Gln389fs (NM_100486.4); short protein forms Q389fs, Q447fs, Q492fs.
Identifiers: ClinVar variation 811315 (VCV000811315.8), dbSNP rs1589247025, ClinGen allele CA915945873.